The following is an entry in ClinVar:

NM_007294.4(BRCA1):c.4657T>A (p.Leu1553Met)

Gene: BRCA1 (BRCA1 DNA repair associated; minus strand). Cytogenetic location: 17q21.31.
Variant type: single nucleotide variant.
Coding change: c.4657T>A on transcript NM_007294.4 (MANE Select); coding-DNA position 4657, T replaced by A.
Protein change: p.Leu1553Met; replaces leucine 1553 with methionine.
Molecular consequence: missense variant. On other transcripts: non-coding transcript variant (1).
Genome position (GRCh38, 1-based): chr17:43,074,349, A>T on the plus strand (T>A on the coding strand, the complement: BRCA1 is on the minus strand). VCF-style: chr17-43074349-A-T. GRCh37 (hg19) VCF-style: chr17-41226366-A-T.
Other names: p.L1553M:TTG>ATG; 4776T>A; c.1207T>A, p.Leu403Met (NM_001408455.1, NM_001408456.1, NM_001408457.1 and 3 more transcripts); c.1204T>A, p.Leu402Met (NM_001408458.1, NM_001408459.1, NM_001408460.1 and 7 more transcripts); c.1084T>A, p.Leu362Met (NM_001408496.1, NM_001408497.1, NM_001408498.1 and 3 more transcripts); c.1081T>A, p.Leu361Met (NM_001408502.1, NM_001408503.1, NM_001408504.1); c.1078T>A, p.Leu360Met (NM_001408505.1); c.4651T>A, p.Leu1551Met (NM_001407633.1, NM_001407634.1, NM_001407635.1 and 14 more transcripts); and 70 more; short protein forms L1553M, L1506M, L449M, L1574M, L1384M, L1505M, L1550M, L1575M.
Identifiers: ClinVar variation 55254 (VCV000055254.19), dbSNP rs80357431, ClinGen allele CA002952.

ClinVar aggregate classification (germline): Conflicting classifications of pathogenicity. Review status: criteria provided, conflicting classifications (1 of 4 stars). 9 submissions from 9 submitters: Uncertain significance (3); Benign (1); Likely benign (2). 3 of the submissions do not count toward it. Last evaluated 2025-10-30.

Conditions:
Hereditary breast ovarian cancer syndrome. Also called: BRCA1- and BRCA2-Associated Hereditary Breast and Ovarian Cancer; Hereditary breast and ovarian cancer syndrome; Hereditary breast and ovarian cancer syndrome (HBOC); Breast and ovarian cancer; Hereditary breast and/or ovarian cancer syndrome; Hereditary breast and ovarian cancer. Identifiers: Orphanet 145, MedGen C0677776, MeSH D061325, MONDO:0003582. Disease mechanism: loss of function.
Breast-ovarian cancer, familial, susceptibility to, 1 (BROVCA1). Also called: BRCA1 Hereditary Breast and Ovarian Cancer; OVARIAN CANCER, SUSCEPTIBILITY TO. Identifiers: Orphanet 145, MedGen C2676676, MONDO:0011450, OMIM 604370. Disease mechanism: loss of function.
Hereditary cancer-predisposing syndrome. Also called: Hereditary Cancer Syndrome; Hereditary neoplastic syndrome; Neoplastic Syndromes, Hereditary; Tumor predisposition. Identifiers: Orphanet 140162, MedGen C0027672, MeSH D009386, MONDO:0015356.

gnomAD v4.1: 2 of 1,614,044 alleles (0.00012%); highest among the groups gnomAD compares: Non-Finnish European, 0.00017%; no homozygotes.

Submissions (9):

Labcorp Genetics (formerly Invitae), Labcorp
Classification: Likely benign for Hereditary breast ovarian cancer syndrome. Last evaluated: 2025-10-30. Review status: criteria provided, single submitter. Criteria: Invitae Variant Classification Sherloc (09022015). Collection method: clinical testing. Allele origin: germline.

Color Diagnostics, LLC DBA Color Health
Classification: Likely benign for Hereditary cancer-predisposing syndrome. Last evaluated: 2024-11-26. Review status: criteria provided, single submitter. Criteria: ACMG Guidelines, 2015. Collection method: clinical testing. Allele origin: germline.

Ambry Genetics
Classification: Uncertain significance for Hereditary cancer-predisposing syndrome. Last evaluated: 2024-10-17. Review status: criteria provided, single submitter. Criteria: Ambry Variant Classification Scheme 2023. Collection method: clinical testing. Allele origin: germline.
Comment: The p.L1553M variant (also known as c.4657T>A), located in coding exon 13 of the BRCA1 gene, results from a T to A substitution at nucleotide position 4657. The leucine at codon 1553 is replaced by methionine, an amino acid with highly similar properties. This amino acid position is well conserved in available vertebrate species. In addition, the in silico prediction for this alteration is inconclusive. Based on the available evidence, the clinical significance of this variant remains unclear.

Myriad Genetics, Inc.
Classification: Benign for Breast-ovarian cancer, familial, susceptibility to, 1. Last evaluated: 2024-04-04. Review status: criteria provided, single submitter. Criteria: Myriad Autosomal Dominant, Autosomal Recessive and X-Linked Classification Criteria (2023). Collection method: clinical testing. Allele origin: unknown.
Comment: This variant is considered benign. This variant is strongly associated with less severe personal and family histories of cancer, typical for individuals without pathogenic variants in this gene [PMID: 25085752]. This variant been observed in trans with a known pathogenic variant in one or more individuals. Compound heterozygosity for pathogenic variants in this gene is generally assumed to result in embryonic lethality.

Quest Diagnostics Nichols Institute San Juan Capistrano
Classification: Uncertain significance. Last evaluated: 2023-08-24. Review status: criteria provided, single submitter. Criteria: Quest Diagnostics criteria. Collection method: clinical testing. Allele origin: unknown.
Comment: To the best of our knowledge, this variant has not been reported in the published literature. The frequency of this variant in the general population, 0.000004 (1/251230 chromosomes (Genome Aggregation Database)), is uninformative in the assessment of its pathogenicity. Analysis of this variant using bioinformatics tools for the prediction of the effect of amino acid changes on protein structure and function yielded conflicting predictions that this variant is benign or damaging. Based on the available information, we are unable to determine the clinical significance of this variant.

GeneDx
Classification: Uncertain significance. Last evaluated: 2015-07-10. Review status: criteria provided, single submitter. Criteria: GeneDx Variant Classification (06012015). Collection method: clinical testing. Allele origin: germline. Affected: yes.
Comment: This variant is denoted BRCA1 c.4657T>A at the cDNA level, p.Leu1553Met (L1553M) at the protein level, and results in the change of a Leucine to a Methionine (TTG>ATG). Using alternate nomenclature, this variant would be defined as BRCA1 4776T>A. This variant has not, to our knowledge, been published in the literature as pathogenic or benign. BRCA1 Leu1553Met was not observed in approximately 6,500 individuals of European and African American ancestry in the NHLBI Exome Sequencing Project, indicating it is not a common benign variant in these populations. Since Leucine and Methionine share similar properties, this is considered a conservative amino acid substitution. BRCA1 Leu1553Met occurs at a position where amino acids with properties similar to Leucine are tolerated across species and is not located in a known functional domain (UniProt). While published in silico and evolutionary conservation analysis predicted that this variant is probably damaging (Pavlicek 2004), in-house in silico analyses are inconsistent regarding the effect this variant may have on protein structure and function. Based on currently available information, it is unclear whether BRCA1 Leu1553Met is pathogenic or benign. We consider it to be a variant of uncertain significance.

Counsyl
Classification: Likely benign for Breast-ovarian cancer, familial, susceptibility to, 1. Last evaluated: 2017-07-24. Review status: no assertion criteria provided. Collection method: clinical testing. Allele origin: unknown. Not counted in ClinVar's aggregate classification.

Sharing Clinical Reports Project (SCRP)
Classification: Uncertain significance for Breast-ovarian cancer, familial 1. Last evaluated: 2009-05-08. Review status: no assertion criteria provided. Collection method: clinical testing. Allele origin: germline. Not counted in ClinVar's aggregate classification.

Breast Cancer Information Core (BIC) (BRCA1)
Classification: Uncertain significance for Breast-ovarian cancer, familial 1. Last evaluated: 2003-12-23. Review status: no assertion criteria provided. Collection method: clinical testing. Allele origin: germline. Affected: yes. Observed: 1 variant allele. Not counted in ClinVar's aggregate classification.

Literature cited by the submitters: PubMed 25085752 (cited by Myriad Genetics, Inc.).